The following is an entry in ClinVar:

ClinVar aggregate classification (germline): Uncertain significance (1 of 4 stars; one submission).

Submission:

Labcorp Genetics (formerly Invitae), Labcorp
Classification: Uncertain significance. Last evaluated: 2023-06-05. Review status: criteria provided, single submitter. Criteria: Invitae Variant Classification Sherloc (09022015). Collection method: clinical testing. Allele origin: unknown.
Comment: In summary, the available evidence is currently insufficient to determine the role of this variant in disease. Therefore, it has been classified as a Variant of Uncertain Significance. Experimental studies and prediction algorithms are not available or were not evaluated, and the functional significance of this variant is currently unknown. This variant has not been reported in the literature in individuals affected with GNB1-related conditions. This variant results in a copy number gain of the genomic region encompassing exon(s) 4-11 of the GNB1 gene. This region includes the termination codon of the gene. This copy number gain extends beyond the assayed region for this gene and therefore may encompass additional genes. As the precise location of this event is unknown, it may be in tandem or it may be located elsewhere in the genome.

NC_000001.10:g.(?_1718770)_(1749334_?)dup

Gene: GNB1 (G protein subunit beta 1; minus strand). Cytogenetic location: 1p36.33.
Variant type: Duplication.
Identifiers: ClinVar variation 3247937 (VCV003247937.1).